The following is an entry in ClinVar:

NM_001267550.2(TTN):c.93190C>T (p.Gln31064Ter)

Genes: TTN-AS1 (TTN antisense RNA 1; plus strand), TTN (titin; minus strand). Cytogenetic location: 2q31.2.
Variant type: single nucleotide variant.
Coding change: c.93190C>T on transcript NM_001267550.2 (MANE Select); coding-DNA position 93190, C replaced by T.
Protein change: p.Gln31064Ter; replaces glutamine 31064 with a stop codon.
Molecular consequence: nonsense.
Genome position (GRCh38, 1-based): chr2:178,548,436, G>A on the plus strand (C>T on the coding strand, the complement: TTN is on the minus strand). VCF-style: chr2-178548436-G-A. GRCh37 (hg19) VCF-style: chr2-179413163-G-A.
Other names: c.88267C>T, p.Gln29423Ter (NM_001256850.1); c.65995C>T, p.Gln21999Ter (NM_003319.4); c.85486C>T, p.Gln28496Ter (NM_133378.4); c.66370C>T, p.Gln22124Ter (NM_133432.3); c.66571C>T, p.Gln22191Ter (NM_133437.4); short protein forms Q28496*, Q22191*, Q21999*, Q22124*, Q29423*, Q31064*.
Identifiers: ClinVar variation 4785405 (VCV004785405.1).
Genomic context (GRCh38, chr2:178,548,436, plus strand): 5'-CACCTTCGGCCAGGTCATTGACCTTGAAGATCTGACGAGTGCATTTTTCACTGATAACCT[G>A]CCAACTACGGCGACTTGCCTCTCGTTTCTCTACCACATAATGATGGATTCGGGCACCACC-3'

ClinVar aggregate classification (germline): Likely pathogenic (1 of 4 stars; one submission).

Conditions:
Autosomal recessive limb-girdle muscular dystrophy type 2J (LGMDR10). Also called: Limb-girdle muscular dystrophy, type 2J; MUSCULAR DYSTROPHY, LIMB-GIRDLE, AUTOSOMAL RECESSIVE 10. Identifiers: Orphanet 140922, MedGen C1837342, MONDO:0012127, OMIM 608807.
Dilated cardiomyopathy 1G (CMD1G). Identifiers: Orphanet 154, MedGen C1858763, MONDO:0011400, OMIM 604145.

Submission:

Labcorp Genetics (formerly Invitae), Labcorp
Classification: Likely pathogenic for Dilated cardiomyopathy 1G; Autosomal recessive limb-girdle muscular dystrophy type 2J. Last evaluated: 2025-06-27. Review status: criteria provided, single submitter. Criteria: Invitae Variant Classification Sherloc (09022015). Collection method: clinical testing. Allele origin: germline.
Comment: This sequence change creates a premature translational stop signal (p.Gln31064*) in the TTN gene. While this is not anticipated to result in nonsense mediated decay, it is expected to create a truncated TTN protein. This variant is not present in population databases (gnomAD no frequency). This premature translational stop signal has been observed in individual(s) with clinical features of dilated cardiomyopathy (internal data). This variant is located in the A band of TTN (PMID: 25589632). Truncating variants in this region are significantly overrepresented in patients affected with dilated cardiomyopathy (PMID: 25589632). Truncating variants in this region have also been reported in individuals affected with autosomal recessive centronuclear myopathy (PMID: 23975875). In summary, the currently available evidence indicates that the variant is pathogenic, but additional data are needed to prove that conclusively. Therefore, this variant has been classified as Likely Pathogenic.

Literature cited by the submitters: PubMed 25589632; PubMed 23975875.